The following is an entry in ClinVar:

NM_198525.3(KIF7):c.3474G>T (p.Lys1158Asn)

Genes: KIF7 (kinesin family member 7; minus strand), LOC126862216 (BRD4-independent group 4 enhancer GRCh37_chr15:90171995-90173194; plus strand). Cytogenetic location: 15q26.1.
Variant type: single nucleotide variant.
Coding change: c.3474G>T on transcript NM_198525.3 (MANE Select); coding-DNA position 3474, G replaced by T.
Protein change: p.Lys1158Asn; replaces lysine 1158 with asparagine.
Molecular consequence: missense variant.
Genome position (GRCh38, 1-based): chr15:89,629,418, C>A on the plus strand (G>T on the coding strand, the complement: KIF7 is on the minus strand). VCF-style: chr15-89629418-C-A. GRCh37 (hg19) VCF-style: chr15-90172649-C-A.
Other names: short protein forms K1158N.
Identifiers: ClinVar variation 1359657 (VCV001359657.6), dbSNP rs1963621332, ClinGen allele CA393754768.

ClinVar aggregate classification (germline): Uncertain significance (1 of 4 stars; one submission).

Conditions:
Acrocallosal syndrome (ACLS). Also called: HALLUX DUPLICATION, POSTAXIAL POLYDACTYLY, AND ABSENCE OF CORPUS CALLOSUM; Schinzel syndrome 1; Absence of corpus callosum with unusual facial appearance, mental deficiency, duplication of the halluces and polydactyly. Identifiers: Orphanet 36, MedGen C0796147, MONDO:0008708, OMIM 200990.

Allele frequency attached by ClinVar (database versions not stated): gnomAD exomes below 0.00001; TOPMed below 0.00001.
gnomAD v4.1: 2 of 1,607,236 alleles (0.00012%); highest among the groups gnomAD compares: Non-Finnish European, 0.00017%; no homozygotes.

Submission:

Labcorp Genetics (formerly Invitae), Labcorp
Classification: Uncertain significance for Acrocallosal syndrome. Last evaluated: 2022-02-10. Review status: criteria provided, single submitter. Criteria: Invitae Variant Classification Sherloc (09022015). Collection method: clinical testing. Allele origin: germline.
Comment: This sequence change replaces lysine, which is basic and polar, with asparagine, which is neutral and polar, at codon 1158 of the KIF7 protein (p.Lys1158Asn). This variant is not present in population databases (gnomAD no frequency). This variant has not been reported in the literature in individuals affected with KIF7-related conditions. Algorithms developed to predict the effect of missense changes on protein structure and function (SIFT, PolyPhen-2, Align-GVGD) all suggest that this variant is likely to be disruptive. In summary, the available evidence is currently insufficient to determine the role of this variant in disease. Therefore, it has been classified as a Variant of Uncertain Significance.